The following is an entry in ClinVar:

ClinVar aggregate classification (germline): Conflicting classifications of pathogenicity. Review status: criteria provided, conflicting classifications (1 of 4 stars). 3 submissions from 3 submitters: Uncertain significance (1); Likely benign (2). Last evaluated 2026-07-01.

Conditions:
Mitochondrial complex I deficiency, nuclear type 1. Also called: NADH-COENZYME Q REDUCTASE DEFICIENCY; MITOCHONDRIAL NADH DEHYDROGENASE COMPONENT OF COMPLEX I, DEFICIENCY OF. Identifiers: MedGen C6022305, MONDO:0100224, OMIM 252010.

Allele frequency attached by ClinVar (database versions not stated): ExAC 0.00002; gnomAD 0.00002; gnomAD exomes 0.00002 and 0.00004; TOPMed 0.00005.

Submissions (3):

CeGaT Center for Human Genetics Tuebingen
Classification: Likely benign. Last evaluated: 2026-07-01. Review status: criteria provided, single submitter. Criteria: CeGaT Center For Human Genetics Tuebingen Variant Classification Criteria Version 2. Collection method: clinical testing. Allele origin: germline. Affected: yes. Observed: 1 variant allele.
Comment: FOXRED1: BP4, BP7

Labcorp Genetics (formerly Invitae), Labcorp
Classification: Likely benign. Last evaluated: 2024-01-05. Review status: criteria provided, single submitter. Criteria: Invitae Variant Classification Sherloc (09022015). Collection method: clinical testing. Allele origin: germline.

Illumina Laboratory Services, Illumina
Classification: Uncertain significance for Mitochondrial complex I deficiency, nuclear type 1. Last evaluated: 2018-01-12. Review status: criteria provided, single submitter. Criteria: ICSL Variant Classification Criteria 13 December 2019. Collection method: clinical testing. Allele origin: germline.

NM_017547.4(FOXRED1):c.192G>A (p.Ser64=)

Gene: FOXRED1 (FAD dependent oxidoreductase domain containing 1; plus strand). Cytogenetic location: 11q24.2.
Variant type: single nucleotide variant.
Coding change: c.192G>A on transcript NM_017547.4 (MANE Select); coding-DNA position 192, G replaced by A.
Protein change: p.Ser64=; no amino-acid change (serine 64 retained).
Molecular consequence: synonymous variant. On other transcripts: non-coding transcript variant (1).
Genome position (GRCh38, 1-based): chr11:126,271,543, G>A. VCF-style: chr11-126271543-G-A. GRCh37 (hg19) VCF-style: chr11-126141438-G-A.
Identifiers: ClinVar variation 303534 (VCV000303534.11), dbSNP rs749675822, ClinGen allele CA6353999.